The following is an entry in ClinVar:

ClinVar aggregate classification (germline): Likely pathogenic. Review status: criteria provided, single submitter (1 of 4 stars). 2 submissions from 1 submitter: Likely pathogenic (2). Last evaluated 2020-08-03.

Conditions:
Intellectual disability. Also called: intellectual disabilities; Intellectual developmental disorder; Intellectual functioning disability. Identifiers: MedGen C3714756, MeSH D008607, MONDO:0001071, HP:0001249.
Encephalopathy due to GLUT1 deficiency. Also called: GLUT1 deficiency syndrome 1; De Vivo disease; Glucose transporter protein syndrome; Classic Glucose Transporter Type 1 Deficiency Syndrome; GLUCOSE TRANSPORT DEFECT, BLOOD-BRAIN BARRIER; GLUT1 deficiency syndrome 1, infantile onset, severe. Identifiers: Orphanet 71277, MedGen C4551966, MONDO:0011724, OMIM 606777.

Submissions (2):

Institute of Human Genetics, University of Leipzig Medical Center
Classification: Likely pathogenic for Intellectual disability. Last evaluated: 2020-08-03. Review status: criteria provided, single submitter. Criteria: ACMG Guidelines, 2015. Collection method: clinical testing. Allele origin: de novo. Affected: yes.

Institute of Human Genetics, University of Leipzig Medical Center
Classification: Likely pathogenic for Encephalopathy due to GLUT1 deficiency. Last evaluated: 2018-09-10. Review status: criteria provided, single submitter. Criteria: ACMG Guidelines, 2015. Collection method: clinical testing. Allele origin: germline. Affected: yes. Observed: 1 variant allele.

NM_006516.4(SLC2A1):c.499G>C (p.Gly167Arg)

Gene: SLC2A1 (solute carrier family 2 member 1; minus strand). Cytogenetic location: 1p34.2.
Variant type: single nucleotide variant.
Coding change: c.499G>C on transcript NM_006516.4 (MANE Select); coding-DNA position 499, G replaced by C.
Protein change: p.Gly167Arg; replaces glycine 167 with arginine.
Molecular consequence: missense variant.
Genome position (GRCh38, 1-based): chr1:42,930,643, C>G on the plus strand (G>C on the coding strand, the complement: SLC2A1 is on the minus strand). VCF-style: chr1-42930643-C-G. GRCh37 (hg19) VCF-style: chr1-43396314-C-G.
Other names: short protein forms G167R.
Identifiers: ClinVar variation 976168 (VCV000976168.2), dbSNP rs773339124, ClinGen allele CA339960290.